The following is an entry in ClinVar:

ClinVar aggregate classification (germline): Uncertain significance (1 of 4 stars; one submission).

Conditions:
Dilated cardiomyopathy 1DD (CMD1DD). Identifiers: Orphanet 154, MedGen C2750995, MONDO:0013168, OMIM 613172.

gnomAD v4.1: 3 of 1,551,702 alleles (0.00019%); highest among the groups gnomAD compares: Non-Finnish European, 0.00026%; no homozygotes.

Submission:

Labcorp Genetics (formerly Invitae), Labcorp
Classification: Uncertain significance for Dilated cardiomyopathy 1DD. Last evaluated: 2019-04-20. Review status: criteria provided, single submitter. Criteria: Invitae Variant Classification Sherloc (09022015). Collection method: clinical testing. Allele origin: germline.
Comment: This variant is not present in population databases (ExAC no frequency). This sequence change replaces serine with arginine at codon 1080 of the RBM20 protein (p.Ser1080Arg). The serine residue is moderately conserved and there is a moderate physicochemical difference between serine and arginine. This variant has not been reported in the literature in individuals with RBM20-related conditions. In summary, the available evidence is currently insufficient to determine the role of this variant in disease. Therefore, it has been classified as a Variant of Uncertain Significance. Algorithms developed to predict the effect of missense changes on protein structure and function are either unavailable or do not agree on the potential impact of this missense change (SIFT: "Deleterious"; PolyPhen-2: "Possibly Damaging"; Align-GVGD: "Class C0").

NM_001134363.3(RBM20):c.3240C>A (p.Ser1080Arg)

Gene: RBM20 (RNA binding motif protein 20; plus strand). Cytogenetic location: 10q25.2.
Variant type: single nucleotide variant.
Coding change: c.3240C>A on transcript NM_001134363.3 (MANE Select); coding-DNA position 3240, C replaced by A.
Protein change: p.Ser1080Arg; replaces serine 1080 with arginine.
Molecular consequence: missense variant.
Genome position (GRCh38, 1-based): chr10:110,821,859, C>A. VCF-style: chr10-110821859-C-A. GRCh37 (hg19) VCF-style: chr10-112581617-C-A.
Other names: short protein forms S1080R.
Identifiers: ClinVar variation 840636 (VCV000840636.9), dbSNP rs1217393739, ClinGen allele CA378382119.